The following is an entry in ClinVar:

NM_032119.4(ADGRV1):c.3243C>G (p.Ile1081Met)

Gene: ADGRV1 (adhesion G protein-coupled receptor V1; plus strand). Cytogenetic location: 5q14.3.
Variant type: single nucleotide variant.
Coding change: c.3243C>G on transcript NM_032119.4 (MANE Select); coding-DNA position 3243, C replaced by G.
Protein change: p.Ile1081Met; replaces isoleucine 1081 with methionine.
Molecular consequence: missense variant. On other transcripts: non-coding transcript variant (1).
Genome position (GRCh38, 1-based): chr5:90,647,718, C>G. VCF-style: chr5-90647718-C-G. GRCh37 (hg19) VCF-style: chr5-89943535-C-G.
Other names: short protein forms I1081M.
Identifiers: ClinVar variation 1057601 (VCV001057601.9), dbSNP rs749364292, ClinGen allele CA121836300.

ClinVar aggregate classification (germline): Uncertain significance (1 of 4 stars; one submission).

Submission:

Labcorp Genetics (formerly Invitae), Labcorp
Classification: Uncertain significance. Last evaluated: 2020-08-20. Review status: criteria provided, single submitter. Criteria: Invitae Variant Classification Sherloc (09022015). Collection method: clinical testing. Allele origin: germline.
Comment: Algorithms developed to predict the effect of sequence changes on RNA splicing suggest that this variant may create or strengthen a splice site, but this prediction has not been confirmed by published transcriptional studies. In summary, the available evidence is currently insufficient to determine the role of this variant in disease. Therefore, it has been classified as a Variant of Uncertain Significance. Algorithms developed to predict the effect of missense changes on protein structure and function are either unavailable or do not agree on the potential impact of this missense change (SIFT: "Deleterious"; PolyPhen-2: "Benign"; Align-GVGD: "Class C0"). This sequence change replaces isoleucine with methionine at codon 1081 of the ADGRV1 protein (p.Ile1081Met). The isoleucine residue is moderately conserved and there is a small physicochemical difference between isoleucine and methionine. This variant is not present in population databases (ExAC no frequency). This variant has not been reported in the literature in individuals with ADGRV1-related conditions.